The following is an entry in ClinVar:

NM_181672.3(OGT):c.2723A>G (p.Lys908Arg)

Gene: OGT (O-linked N-acetylglucosamine (GlcNAc) transferase; plus strand). Cytogenetic location: Xq13.1.
Variant type: single nucleotide variant.
Coding change: c.2723A>G on transcript NM_181672.3 (MANE Select); coding-DNA position 2723, A replaced by G.
Protein change: p.Lys908Arg; replaces lysine 908 with arginine.
Molecular consequence: missense variant.
Genome position (GRCh38, 1-based): chrX:71,567,633, A>G. VCF-style: chrX-71567633-A-G. GRCh37 (hg19) VCF-style: chrX-70787483-A-G.
Other names: NC_000023.10:g.70787483A>G; c.2693A>G, p.Lys898Arg (NM_181673.3); short protein forms K898R, K908R.
Identifiers: ClinVar variation 1805807 (VCV001805807.2), dbSNP rs2522859972, ClinGen allele CA413571100.

ClinVar aggregate classification (germline): Uncertain significance (1 of 4 stars; one submission).

Conditions:
Intellectual developmental disorder, X-linked 106. Also called: Intellectual disability, X-linked 106; Mental retardation, X-linked 106. Identifiers: MedGen C4478379, MONDO:0030907, OMIM 300997.

Submissions (4):

Victorian Clinical Genetics Services, Murdoch Childrens Research Institute
Classification: Uncertain significance for Intellectual developmental disorder, X-linked 106. Last evaluated: 2020-05-21. Review status: criteria provided, single submitter. Criteria: ACMG Guidelines, 2015. Collection method: clinical testing. Allele origin: germline. Inheritance: X-linked recessive inheritance. Affected: yes.
Comment: A heterozygous missense variant was identified, NM_181672.2(OGT):c.2723A>G in exon 20 of 22 of the OGT gene. This substitution is predicted to create a minor amino acid change from lysine to arginine at position 908 of the protein, NP_858058.1(OGT):p.(Lys908Arg). The lysine at this position has very high conservation (100 vertebrates, UCSC). It is located within the Glyco transf 41 domain, and interacts with the UDP-GlcNAc molecule (Clarke, A. et al. (2008); Kapuria, V. et al. (2016)). The variant is located in a region that is highly intolerant to missense variation (Decipher, gnomAD). In silico software predicts this variant to be damaging (Polyphen, SIFT, CADD, Mutation Taster). The variant is not present in the gnomAD population database, and has not been previously observed in clinical cases. Based on information available at the time of curation, this variant has been classified as a VARIANT of UNCERTAIN SIGNIFICANCE (VUS) with POTENTIAL CLINICAL RELEVANCE.

Dr. Peter K. Rogan Lab, Western University
No classification provided (evidence only). Condition: Nonpapillary renal cell carcinoma. Review status: no classification provided. Collection method: in vitro. Allele origin: not applicable. Functional consequence: retained intron. Not counted in ClinVar's aggregate classification.

Dr. Peter K. Rogan Lab, Western University
No classification provided (evidence only). Condition: Nonpapillary renal cell carcinoma. Review status: no classification provided. Collection method: in vitro. Allele origin: not applicable. Functional consequence: retained intron. Not counted in ClinVar's aggregate classification.

Dr. Peter K. Rogan Lab, Western University
No classification provided (evidence only). Condition: Nonpapillary renal cell carcinoma. Review status: no classification provided. Collection method: in vitro. Allele origin: not applicable. Functional consequence: retained intron. Not counted in ClinVar's aggregate classification.

Literature cited by the submitters: PubMed 18818698 (cited by Victorian Clinical Genetics Services, Murdoch Childrens Research Institute); PubMed 27056667 (cited by Victorian Clinical Genetics Services, Murdoch Childrens Research Institute).